The following is an entry in ClinVar:

ClinVar aggregate classification (germline): Uncertain significance (1 of 4 stars; one submission).

gnomAD v4.1: 20 of 1,555,746 alleles (0.0013%); highest among the groups gnomAD compares: Admixed American, 0.012%; no homozygotes.

Submission:

Dasa
Classification: Uncertain significance. Last evaluated: 2025-07-28. Review status: criteria provided, single submitter. Criteria: DASA Assertion Criteria. Collection method: clinical testing. Allele origin: germline.
Comment: NM_004970.3(IGFALS):c.559G>A (p.Asp187Asn) is a missense variant that results in the substitution of aspartic acid with asparagine. This variant is rare in population databases. Computational prediction algorithms are consistent with a benign effect. The currently available literature and clinical evidence are not sufficient to establish a definitive association between this variant and the reported condition. Therefore, this variant is classified as a variant of uncertain significance.

NM_004970.3(IGFALS):c.559G>A (p.Asp187Asn)

Gene: IGFALS (insulin like growth factor binding protein acid labile subunit; minus strand). Cytogenetic location: 16p13.3.
Variant type: single nucleotide variant.
Coding change: c.559G>A on transcript NM_004970.3 (MANE Select); coding-DNA position 559, G replaced by A.
Protein change: p.Asp187Asn; replaces aspartic acid 187 with asparagine.
Molecular consequence: missense variant. On other transcripts: non-coding transcript variant (1).
Genome position (GRCh38, 1-based): chr16:1,791,859, C>T on the plus strand (G>A on the coding strand, the complement: IGFALS is on the minus strand). VCF-style: chr16-1791859-C-T. GRCh37 (hg19) VCF-style: chr16-1841860-C-T.
Other names: c.673G>A, p.Asp225Asn (NM_001146006.2); short protein forms D187N, D225N.
Identifiers: ClinVar variation 4880899 (VCV004880899.2).
Genomic context (GRCh38, chr16:1,791,859, plus strand): 5'-CCAGCCTGTTGCCCGCCAGCACCAGCTCGCGCAGGCTGCCCAGGCCGCGGAACGCCGCAT[C>T]GGGGAGCACCGCCAGGCTATTCCAGCCGAGGTTGAGGTCCCAGAGGCTGCCGAGGCCCTC-3'
Protein context (NP_004961.1, residues 177-197): LGWNSLAVLP[Asp187Asn]AAFRGLGSLR